The following is an entry in ClinVar:

NM_014844.5(TECPR2):c.606T>C (p.Ser202=)

Gene: TECPR2 (tectonin beta-propeller repeat containing 2; plus strand). Cytogenetic location: 14q32.31.
Variant type: single nucleotide variant.
Coding change: c.606T>C on transcript NM_014844.5 (MANE Select); coding-DNA position 606, T replaced by C.
Protein change: p.Ser202=; no amino-acid change (serine 202 retained).
Molecular consequence: synonymous variant.
Genome position (GRCh38, 1-based): chr14:102,414,761, T>C. VCF-style: chr14-102414761-T-C. GRCh37 (hg19) VCF-style: chr14-102881098-T-C.
Other names: c.606T>C, p.Ser202= (NM_001172631.3); c.606T>C (NM_014844.4).
Identifiers: ClinVar variation 509148 (VCV000509148.32), dbSNP rs140791062, ClinGen allele CA7357475.

ClinVar aggregate classification (germline): Conflicting classifications of pathogenicity. Review status: criteria provided, conflicting classifications (1 of 4 stars). 6 submissions from 6 submitters: Uncertain significance (1); Likely benign (4). 1 of the submissions does not count toward it. Last evaluated 2026-03-01.

Conditions:
Hereditary spastic paraplegia 49 (HSAN9). Also called: Spastic paraplegia 49, autosomal recessive; TECPR2-Related Hereditary Sensory and Autonomic Neuropathy with Intellectual Disability; NEUROPATHY, HEREDITARY SENSORY AND AUTONOMIC, TYPE IX, WITH DEVELOPMENTAL DELAY. Identifiers: Orphanet 320385, MedGen C5190860, MONDO:0014016, OMIM 615031.
Hereditary spastic paraplegia. Also called: Familial spastic paraparesis. Identifiers: Orphanet 685, MedGen C0037773, MONDO:0019064. Disease mechanism: loss of function.

Allele frequency attached by ClinVar (database versions not stated): 1000 Genomes Project 0.00020; 1000 Genomes Project 30x 0.00031; gnomAD exomes 0.00047 and 0.00093; gnomAD 0.00058 and 0.00061; TOPMed 0.00063; ExAC 0.00077; ESP Exome Variant Server 0.00077.
gnomAD v4.1: 823 of 1,614,232 alleles (0.051%); highest among the groups gnomAD compares: Admixed American, 0.02%; 6 homozygotes.

Submissions (6):

CeGaT Center for Human Genetics Tuebingen
Classification: Likely benign. Last evaluated: 2026-03-01. Review status: criteria provided, single submitter. Criteria: CeGaT Center For Human Genetics Tuebingen Variant Classification Criteria Version 2. Collection method: clinical testing. Allele origin: germline. Affected: yes. Observed: 2 variant alleles.
Comment: TECPR2: BP4, BP7

Labcorp Genetics (formerly Invitae), Labcorp
Classification: Likely benign for Hereditary spastic paraplegia 49. Last evaluated: 2026-02-04. Review status: criteria provided, single submitter. Criteria: Invitae Variant Classification Sherloc (09022015). Collection method: clinical testing. Allele origin: germline.

Blueprint Genetics
Classification: Likely benign. Last evaluated: 2024-09-05. Review status: criteria provided, single submitter. Criteria: ACMG Guidelines, 2015. Collection method: clinical testing. Allele origin: germline.

Genome Diagnostics Laboratory, The Hospital for Sick Children
Classification: Uncertain significance for Hereditary spastic paraplegia. Last evaluated: 2019-11-01. Review status: criteria provided, single submitter. Criteria: ACMG Guidelines, 2015. Collection method: clinical testing. Allele origin: germline. Affected: yes.

GeneDx
Classification: Likely benign. Last evaluated: 2018-03-14. Review status: criteria provided, single submitter. Criteria: GeneDx Variant Classification (06012015). Collection method: clinical testing. Allele origin: germline. Affected: yes.
Comment: This variant is considered likely benign or benign based on one or more of the following criteria: it is a conservative change, it occurs at a poorly conserved position in the protein, it is predicted to be benign by multiple in silico algorithms, and/or has population frequency not consistent with disease.

Natera, Inc.
Classification: Likely benign for Autosomal recessive spastic paraplegia type 49. Last evaluated: 2020-09-16. Review status: no assertion criteria provided. Collection method: clinical testing. Allele origin: germline. Not counted in ClinVar's aggregate classification.